The following is an entry in ClinVar:

ClinVar aggregate classification (germline): Benign (0 of 4 stars; one submission).

Conditions:
ROBO2-related disorder. Also called: ROBO2-related condition.

Submission:

PreventionGenetics, part of Exact Sciences
Classification: Benign for ROBO2-related condition. Last evaluated: 2020-11-18. Review status: no assertion criteria provided. Collection method: clinical testing. Allele origin: germline.
Comment: This variant is classified as benign based on ACMG/AMP sequence variant interpretation guidelines (Richards et al. 2015 PMID: 25741868, with internal and published modifications).

NM_001128929.3(ROBO2):c.75G>C (p.Val25=)

Gene: ROBO2 (roundabout guidance receptor 2; plus strand). Cytogenetic location: 3p12.3.
Variant type: single nucleotide variant.
Coding change: c.75G>C on transcript NM_001128929.3; coding-DNA position 75, G replaced by C.
Protein change: p.Val25=; no amino-acid change (valine 25 retained).
Molecular consequence: synonymous variant.
Genome position (GRCh38, 1-based): chr3:75,937,568, G>C. VCF-style: chr3-75937568-G-C. GRCh37 (hg19) VCF-style: chr3-75986719-G-C.
Other names: c.75G>C, p.Val25= (NM_001378196.1, NM_001378200.1, NM_001378201.1 and 4 more transcripts).
Identifiers: ClinVar variation 3060297 (VCV003060297.2), dbSNP rs62269818, ClinGen allele CA77722771.